The following is an entry in ClinVar:

NM_002528.7(NTHL1):c.686-5A>C

Gene: NTHL1 (nth like DNA glycosylase 1; minus strand). Cytogenetic location: 16p13.3.
Variant type: single nucleotide variant.
Coding change: c.686-5A>C on transcript NM_002528.7 (MANE Select); 5 bases into the intron before coding-DNA position 686, A replaced by C.
Molecular consequence: intron variant.
Genome position (GRCh38, 1-based): chr16:2,040,243, T>G on the plus strand (A>C on the coding strand, the complement: NTHL1 is on the minus strand). VCF-style: chr16-2040243-T-G. GRCh37 (hg19) VCF-style: chr16-2090244-T-G.
Other names: c.356-5A>C (NM_001318194.2); c.515-5A>C (NM_001318193.2).
Identifiers: ClinVar variation 2101419 (VCV002101419.4), dbSNP rs2150938463, ClinGen allele CA2580090534.

ClinVar aggregate classification (germline): Uncertain significance (1 of 4 stars; one submission).

Allele frequency attached by ClinVar (database versions not stated): gnomAD exomes below 0.00001.
gnomAD v4.1: 1 of 1,613,092 alleles (0.000062%); highest among the groups gnomAD compares: Non-Finnish European, 0.000085%; no homozygotes.

Submission:

Labcorp Genetics (formerly Invitae), Labcorp
Classification: Uncertain significance. Last evaluated: 2022-02-22. Review status: criteria provided, single submitter. Criteria: Invitae Variant Classification Sherloc (09022015). Collection method: clinical testing. Allele origin: germline.
Comment: This sequence change falls in intron 4 of the NTHL1 gene. It does not directly change the encoded amino acid sequence of the NTHL1 protein. This variant has not been reported in the literature in individuals affected with NTHL1-related conditions. Algorithms developed to predict the effect of sequence changes on RNA splicing suggest that this variant may disrupt the consensus splice site. In summary, the available evidence is currently insufficient to determine the role of this variant in disease. Therefore, it has been classified as a Variant of Uncertain Significance. This variant is not present in population databases (gnomAD no frequency).